The following is an entry in ClinVar:

ClinVar aggregate classification (germline): Uncertain significance. Review status: criteria provided, multiple submitters, no conflicts (2 of 4 stars). 2 submissions from 2 submitters: Uncertain significance (2). Last evaluated 2024-11-15.

Allele frequency attached by ClinVar (database versions not stated): gnomAD 0.00005; 1000 Genomes Project 30x 0.00016; 1000 Genomes Project 0.00020; gnomAD exomes 0.00023; ExAC 0.00028.
gnomAD v4.1: 165 of 1,614,146 alleles (0.01%); highest among the groups gnomAD compares: South Asian, 0.17%; no homozygotes.

Submissions (2):

GeneDx
Classification: Uncertain significance. Last evaluated: 2024-11-15. Review status: criteria provided, single submitter. Criteria: GeneDx Variant Classification Process June 2021. Collection method: clinical testing. Allele origin: germline. Affected: yes.
Comment: In silico analysis indicates that this missense variant does not alter protein structure/function; Has not been previously published as pathogenic or benign to our knowledge

Labcorp Genetics (formerly Invitae), Labcorp
Classification: Uncertain significance. Last evaluated: 2024-04-08. Review status: criteria provided, single submitter. Criteria: Invitae Variant Classification Sherloc (09022015). Collection method: clinical testing. Allele origin: germline.
Comment: This sequence change replaces serine, which is neutral and polar, with arginine, which is basic and polar, at codon 219 of the EDN3 protein (p.Ser219Arg). This variant is present in population databases (rs532030990, gnomAD 0.2%). This variant has not been reported in the literature in individuals affected with EDN3-related conditions. ClinVar contains an entry for this variant (Variation ID: 1315218). Algorithms developed to predict the effect of missense changes on protein structure and function output the following: SIFT: "Not Available"; PolyPhen-2: "Benign"; Align-GVGD: "Not Available". The arginine amino acid residue is found in multiple mammalian species, which suggests that this missense change does not adversely affect protein function. In summary, the available evidence is currently insufficient to determine the role of this variant in disease. Therefore, it has been classified as a Variant of Uncertain Significance.

NM_207034.3(EDN3):c.655A>C (p.Ser219Arg)

Gene: EDN3 (endothelin 3; plus strand). Cytogenetic location: 20q13.32.
Variant type: single nucleotide variant.
Coding change: c.655A>C on transcript NM_207034.3 (MANE Select); coding-DNA position 655, A replaced by C.
Protein change: p.Ser219Arg; replaces serine 219 with arginine.
Molecular consequence: missense variant. On other transcripts: 3 prime UTR variant (3).
Genome position (GRCh38, 1-based): chr20:59,324,397, A>C. VCF-style: chr20-59324397-A-C. GRCh37 (hg19) VCF-style: chr20-57899452-A-C.
Other names: c.*62A>C (NM_001302455.2); c.*30A>C (NM_001302456.2, NM_207032.3); c.613A>C, p.Ser205Arg (NM_207033.3); short protein forms S205R, S219R.
Identifiers: ClinVar variation 1315218 (VCV001315218.7), dbSNP rs532030990, ClinGen allele CA9930464.